The following is an entry in ClinVar:

NM_153460.4(IL17RC):c.1867G>A (p.Gly623Ser)

Gene: IL17RC (interleukin 17 receptor C; plus strand). Cytogenetic location: 3p25.3.
Variant type: single nucleotide variant.
Coding change: c.1867G>A on transcript NM_153460.4 (MANE Select); coding-DNA position 1867, G replaced by A.
Protein change: p.Gly623Ser; replaces glycine 623 with serine.
Molecular consequence: missense variant. On other transcripts: non-coding transcript variant (1).
Genome position (GRCh38, 1-based): chr3:9,933,297, G>A. VCF-style: chr3-9933297-G-A. GRCh37 (hg19) VCF-style: chr3-9974981-G-A.
Other names: c.1828G>A, p.Gly610Ser (NM_001203263.2); c.1777G>A, p.Gly593Ser (NM_001203264.2); c.1771G>A, p.Gly591Ser (NM_001203265.2); c.1789G>A, p.Gly597Ser (NM_001367278.1); c.1708G>A, p.Gly570Ser (NM_001367279.1); c.1783G>A, p.Gly595Ser (NM_001367280.1); c.1732G>A, p.Gly578Ser (NM_001410711.1); c.1822G>A, p.Gly608Ser (NM_032732.6); and 2 more; short protein forms G591S, G593S, G597S, G608S, G610S, G623S, G570S, G694S.
Identifiers: ClinVar variation 2054607 (VCV002054607.6), dbSNP rs370439757, ClinGen allele CA2247434.

ClinVar aggregate classification (germline): Uncertain significance. Review status: criteria provided, multiple submitters, no conflicts (2 of 4 stars). 2 submissions from 2 submitters: Uncertain significance (2). Last evaluated 2025-10-23.

Conditions:
Candidiasis, familial, 9 (CANDF9). Identifiers: Orphanet 1334, MedGen C4225324, MONDO:0014642, OMIM 616445.

Allele frequency attached by ClinVar (database versions not stated): TOPMed 0.00002; gnomAD 0.00003; ExAC 0.00004; gnomAD exomes 0.00004; ESP Exome Variant Server 0.00008.
gnomAD v4.1: 60 of 1,604,404 alleles (0.0037%); highest among the groups gnomAD compares: Non-Finnish European, 0.005%; no homozygotes.

Submissions (2):

Labcorp Genetics (formerly Invitae), Labcorp
Classification: Uncertain significance for Candidiasis, familial, 9. Last evaluated: 2025-10-23. Review status: criteria provided, single submitter. Criteria: Invitae Variant Classification Sherloc (09022015). Collection method: clinical testing. Allele origin: germline.
Comment: This sequence change replaces glycine, which is neutral and non-polar, with serine, which is neutral and polar, at codon 694 of the IL17RC protein (p.Gly694Ser). This variant is present in population databases (rs370439757, gnomAD 0.006%). This variant has not been reported in the literature in individuals affected with IL17RC-related conditions. ClinVar contains an entry for this variant (Variation ID: 2054607). An algorithm developed to predict the effect of missense changes on protein structure and function (PolyPhen-2) suggests that this variant is likely to be disruptive. In summary, the available evidence is currently insufficient to determine the role of this variant in disease. Therefore, it has been classified as a Variant of Uncertain Significance.

Ambry Genetics
Classification: Uncertain significance. Last evaluated: 2023-08-10. Review status: criteria provided, single submitter. Criteria: Ambry Variant Classification Scheme 2023. Collection method: clinical testing. Allele origin: germline.